The following is an entry in ClinVar:

NM_000059.4(BRCA2):c.6710A>G (p.Asp2237Gly)

Gene: BRCA2 (BRCA2 DNA repair associated; plus strand). Cytogenetic location: 13q13.1.
Variant type: single nucleotide variant.
Coding change: c.6710A>G on transcript NM_000059.4 (MANE Select); coding-DNA position 6710, A replaced by G.
Protein change: p.Asp2237Gly; replaces aspartic acid 2237 with glycine.
Molecular consequence: missense variant.
Genome position (GRCh38, 1-based): chr13:32,341,065, A>G. VCF-style: chr13-32341065-A-G. GRCh37 (hg19) VCF-style: chr13-32915202-A-G.
Other names: c.6710A>G (NM_000059.3); short protein forms D2237G.
Identifiers: ClinVar variation 1350952 (VCV001350952.10), dbSNP rs2137530022, ClinGen allele CA387790994.

ClinVar aggregate classification (germline): Conflicting classifications of pathogenicity. Review status: criteria provided, conflicting classifications (1 of 4 stars). 3 submissions from 3 submitters: Uncertain significance (2); Likely benign (1). Last evaluated 2025-09-01.

Conditions:
Hereditary cancer-predisposing syndrome. Also called: Neoplastic Syndromes, Hereditary; Tumor predisposition; Hereditary neoplastic syndrome; Hereditary Cancer Syndrome. Identifiers: Orphanet 140162, MedGen C0027672, MeSH D009386, MONDO:0015356.
Hereditary breast ovarian cancer syndrome. Also called: BRCA1- and BRCA2-Associated Hereditary Breast and Ovarian Cancer; Hereditary breast and ovarian cancer; Hereditary breast and ovarian cancer syndrome; Hereditary breast and ovarian cancer syndrome (HBOC); Breast and ovarian cancer; Hereditary breast and/or ovarian cancer syndrome. Identifiers: Orphanet 145, MedGen C0677776, MeSH D061325, MONDO:0003582. Disease mechanism: loss of function.

Submissions (3):

Ambry Genetics
Classification: Uncertain significance for Hereditary cancer-predisposing syndrome. Last evaluated: 2025-09-01. Review status: criteria provided, single submitter. Criteria: Ambry Variant Classification Scheme 2023. Collection method: clinical testing. Allele origin: germline.

University of Washington Department of Laboratory Medicine, University of Washington
Classification: Likely benign for Hereditary cancer-predisposing syndrome. Last evaluated: 2023-03-23. Review status: criteria provided, single submitter. Criteria: Dines et al. (Genet Med. 2020). Collection method: curation. Allele origin: germline.
Comment: Missense variant in a coldspot region where missense variants are very unlikely to be pathogenic (PMID:31911673).

BRCA2 exon 11 coldspot. Reclassification based on statistical prior probability.

Labcorp Genetics (formerly Invitae), Labcorp
Classification: Uncertain significance for Hereditary breast ovarian cancer syndrome. Last evaluated: 2021-03-26. Review status: criteria provided, single submitter. Criteria: Invitae Variant Classification Sherloc (09022015). Collection method: clinical testing. Allele origin: germline.
Comment: In summary, the available evidence is currently insufficient to determine the role of this variant in disease. Therefore, it has been classified as a Variant of Uncertain Significance. Algorithms developed to predict the effect of sequence changes on RNA splicing suggest that this variant may create or strengthen a splice site, but this prediction has not been confirmed by published transcriptional studies. Advanced modeling of protein sequence and biophysical properties (such as structural, functional, and spatial information, amino acid conservation, physicochemical variation, residue mobility, and thermodynamic stability) performed at Invitae indicates that this missense variant is not expected to disrupt BRCA2 protein function. This variant has not been reported in the literature in individuals with BRCA2-related conditions. This variant is not present in population databases (ExAC no frequency). This sequence change replaces aspartic acid with glycine at codon 2237 of the BRCA2 protein (p.Asp2237Gly). The aspartic acid residue is highly conserved and there is a moderate physicochemical difference between aspartic acid and glycine.